The following is an entry in ClinVar:

ClinVar aggregate classification (germline): Uncertain significance (1 of 4 stars; one submission).

Submission:

Labcorp Genetics (formerly Invitae), Labcorp
Classification: Uncertain significance. Last evaluated: 2025-03-16. Review status: criteria provided, single submitter. Criteria: Invitae Variant Classification Sherloc (09022015). Collection method: clinical testing. Allele origin: germline.
Comment: This sequence change replaces leucine, which is neutral and non-polar, with phenylalanine, which is neutral and non-polar, at codon 389 of the CCDC141 protein (p.Leu389Phe). This variant is not present in population databases (gnomAD no frequency). This variant has not been reported in the literature in individuals affected with CCDC141-related conditions. An algorithm developed to predict the effect of missense changes on protein structure and function (PolyPhen-2) suggests that this variant is likely to be disruptive. In summary, the available evidence is currently insufficient to determine the role of this variant in disease. Therefore, it has been classified as a Variant of Uncertain Significance.

NM_173648.4(CCDC141):c.1167G>C (p.Leu389Phe)

Gene: CCDC141 (coiled-coil domain containing 141; minus strand). Cytogenetic location: 2q31.2.
Variant type: single nucleotide variant.
Coding change: c.1167G>C on transcript NM_173648.4 (MANE Select); coding-DNA position 1167, G replaced by C.
Protein change: p.Leu389Phe; replaces leucine 389 with phenylalanine.
Molecular consequence: missense variant.
Genome position (GRCh38, 1-based): chr2:178,905,427, C>G on the plus strand (G>C on the coding strand, the complement: CCDC141 is on the minus strand). VCF-style: chr2-178905427-C-G. GRCh37 (hg19) VCF-style: chr2-179770154-C-G.
Other names: c.1167G>C, p.Leu389Phe (NM_001316745.2); short protein forms L389F.
Identifiers: ClinVar variation 3728731 (VCV003728731.2).
Genomic context (GRCh38, chr2:178,905,427, plus strand): 5'-TTGCAAAGCATCAGTTGTGCAGTCTTTAATTTTTCTGTGTAATTCCTCATGCCTCACTGC[C>G]AAAACAGCCAGACTTAAACCCTCTGATTTAAGGAGCTTAAGGTAAGCTTCAACTCTTCCA-3'
Protein context (NP_775919.3, residues 379-399): LKSEGLSLAV[Leu389Phe]AVRHEELHRK